The following is an entry in ClinVar:

NM_001384900.1(SEMA3D):c.1546-10C>T

Gene: SEMA3D (semaphorin 3D; minus strand). Cytogenetic location: 7q21.11.
Variant type: single nucleotide variant.
Coding change: c.1546-10C>T on transcript NM_001384900.1 (MANE Select); 10 bases into the intron before coding-DNA position 1546, C replaced by T.
Molecular consequence: intron variant.
Genome position (GRCh38, 1-based): chr7:85,015,226, G>A on the plus strand (C>T on the coding strand, the complement: SEMA3D is on the minus strand). VCF-style: chr7-85015226-G-A. GRCh37 (hg19) VCF-style: chr7-84644542-G-A.
Other names: c.1546-10C>T (NM_001384901.1, NM_001384903.1, NM_001384902.1 and 1 more transcripts).
Identifiers: ClinVar variation 3355471 (VCV003355471.1).

ClinVar aggregate classification (germline): Likely benign (0 of 4 stars; one submission).

Conditions:
SEMA3D-related disorder. Also called: SEMA3D-related condition.

gnomAD v4.1: 20 of 1,601,326 alleles (0.0012%); highest among the groups gnomAD compares: East Asian, 0.013%; no homozygotes.

Submission:

PreventionGenetics, part of Exact Sciences
Classification: Likely benign for SEMA3D-related condition. Last evaluated: 2022-01-08. Review status: no assertion criteria provided. Collection method: clinical testing. Allele origin: germline.
Comment: This variant is classified as likely benign based on ACMG/AMP sequence variant interpretation guidelines (Richards et al. 2015 PMID: 25741868, with internal and published modifications).